The following is an entry in ClinVar:

ClinVar aggregate classification (germline): Conflicting classifications of pathogenicity. Review status: criteria provided, conflicting classifications (1 of 4 stars). 8 submissions from 7 submitters: Uncertain significance (3); Benign (1); Likely benign (4). Last evaluated 2025-10-27.

Conditions:
Muscular dystrophy-dystroglycanopathy type B6 (MDDGB6). Also called: MUSCULAR DYSTROPHY-DYSTROGLYCANOPATHY (CONGENITAL WITH IMPAIRED INTELLECTUAL DEVELOPMENT), TYPE B, 6; MUSCULAR DYSTROPHY, CONGENITAL, LARGE-RELATED; MUSCULAR DYSTROPHY, CONGENITAL, TYPE 1D. Identifiers: MedGen C1837229, MONDO:0012138, OMIM 608840.
Muscular dystrophy-dystroglycanopathy (congenital with brain and eye anomalies), type A6. Also called: WALKER-WARBURG SYNDROME OR MUSCLE-EYE-BRAIN DISEASE, LARGE-RELATED; MUSCULAR DYSTROPHY-DYSTROGLYCANOPATHY (CONGENITAL WITH BRAIN AND EYE ANOMALIES), TYPE A, 6. Identifiers: Orphanet 588, Orphanet 899, MedGen C3150414, MONDO:0013158, OMIM 613154.

Allele frequency attached by ClinVar (database versions not stated): gnomAD 0.00012 and 0.00019; TOPMed 0.00018; gnomAD exomes 0.00024 and 0.00067; ExAC 0.00068; 1000 Genomes Project 30x 0.00078; 1000 Genomes Project 0.00100.
gnomAD v4.1: 387 of 1,614,264 alleles (0.024%); highest among the groups gnomAD compares: East Asian, 0.29%; 5 homozygotes.

Submissions (8):

Labcorp Genetics (formerly Invitae), Labcorp
Classification: Benign for Muscular dystrophy-dystroglycanopathy type B6. Last evaluated: 2025-10-27. Review status: criteria provided, single submitter. Criteria: Invitae Variant Classification Sherloc (09022015). Collection method: clinical testing. Allele origin: germline.

CeGaT Center for Human Genetics Tuebingen
Classification: Likely benign. Last evaluated: 2025-09-01. Review status: criteria provided, single submitter. Criteria: CeGaT Center For Human Genetics Tuebingen Variant Classification Criteria Version 2. Collection method: clinical testing. Allele origin: germline. Affected: yes. Observed: 4 variant alleles.
Comment: LARGE1: BP4, BP7

Blueprint Genetics
Classification: Likely benign. Last evaluated: 2024-11-26. Review status: criteria provided, single submitter. Criteria: ACMG Guidelines, 2015. Collection method: clinical testing. Allele origin: germline.

GeneDx
Classification: Likely benign. Last evaluated: 2019-02-27. Review status: criteria provided, single submitter. Criteria: GeneDx Variant Classification Process June 2021. Collection method: clinical testing. Allele origin: germline. Affected: yes.

Illumina Laboratory Services, Illumina
Classification: Uncertain significance for Muscular dystrophy-dystroglycanopathy type B6. Last evaluated: 2018-01-12. Review status: criteria provided, single submitter. Criteria: ICSL Variant Classification Criteria 13 December 2019. Collection method: clinical testing. Allele origin: germline.

Illumina Laboratory Services, Illumina
Classification: Uncertain significance for Muscular dystrophy-dystroglycanopathy (congenital with brain and eye anomalies), type A6. Last evaluated: 2018-01-12. Review status: criteria provided, single submitter. Criteria: ICSL Variant Classification Criteria 13 December 2019. Collection method: clinical testing. Allele origin: germline.

Eurofins Ntd Llc (ga)
Classification: Likely benign. Last evaluated: 2017-05-19. Review status: criteria provided, single submitter. Criteria: EGL Classification Definitions 2015. Collection method: clinical testing. Allele origin: germline. Observed: 1 variant allele, 1 heterozygote.

Genetic Services Laboratory, University of Chicago
Classification: Uncertain significance. Last evaluated: 2015-03-11. Review status: criteria provided, single submitter. Criteria: ACMG Guidelines, 2015. Collection method: clinical testing. Allele origin: germline.

NM_133642.5(LARGE1):c.1599C>T (p.Ile533=)

Gene: LARGE1 (LARGE xylosyl- and glucuronyltransferase 1; minus strand). Cytogenetic location: 22q12.3.
Variant type: single nucleotide variant.
Coding change: c.1599C>T on transcript NM_133642.5 (MANE Select); coding-DNA position 1599, C replaced by T.
Protein change: p.Ile533=; no amino-acid change (isoleucine 533 retained).
Molecular consequence: synonymous variant.
Genome position (GRCh38, 1-based): chr22:33,304,360, G>A on the plus strand (C>T on the coding strand, the complement: LARGE1 is on the minus strand). VCF-style: chr22-33304360-G-A. GRCh37 (hg19) VCF-style: chr22-33700346-G-A.
Other names: c.1599C>T, p.Ile533= (NM_001362949.2, NM_001362951.2, NM_001362953.2 and 6 more transcripts); c.1443C>T, p.Ile481= (NM_001378629.1); c.996C>T, p.Ile332= (NM_001378630.1); c.840C>T, p.Ile280= (NM_001378631.1).
Identifiers: ClinVar variation 211369 (VCV000211369.50), dbSNP rs12627793, ClinGen allele CA207569.